The following is an entry in ClinVar:

NM_002890.3(RASA1):c.2323G>A (p.Asp775Asn)

Genes: CCNH (cyclin H; minus strand), RASA1 (RAS p21 protein activator 1; plus strand). Cytogenetic location: 5q14.3.
Variant type: single nucleotide variant.
Coding change: c.2323G>A on transcript NM_002890.3 (MANE Select); coding-DNA position 2323, G replaced by A.
Protein change: p.Asp775Asn; replaces aspartic acid 775 with asparagine.
Molecular consequence: missense variant. On other transcripts: intron variant (1).
Genome position (GRCh38, 1-based): chr5:87,377,019, G>A. VCF-style: chr5-87377019-G-A. GRCh37 (hg19) VCF-style: chr5-86672836-G-A.
Other names: c.1792G>A, p.Asp598Asn (NM_022650.3); c.933+18025C>T (NM_001364075.2); short protein forms D775N, D598N.
Identifiers: ClinVar variation 1789612 (VCV001789612.2), dbSNP rs2531350148, ClinGen allele CA360381227.

ClinVar aggregate classification (germline): Uncertain significance (1 of 4 stars; one submission).

Conditions:
Cardiovascular phenotype. Identifiers: MedGen CN230736.

Submission:

Ambry Genetics
Classification: Uncertain significance for Cardiovascular phenotype. Last evaluated: 2022-10-30. Review status: criteria provided, single submitter. Criteria: Ambry Variant Classification Scheme 2023. Collection method: clinical testing. Allele origin: germline.
Comment: The p.D775N variant (also known as c.2323G>A), located in coding exon 17 of the RASA1 gene, results from a G to A substitution at nucleotide position 2323. The aspartic acid at codon 775 is replaced by asparagine, an amino acid with highly similar properties. This amino acid position is conserved. In addition, this alteration is predicted to be tolerated by in silico analysis. Since supporting evidence is limited at this time, the clinical significance of this alteration remains unclear.